The following is an entry in ClinVar:

ClinVar aggregate classification (germline): Uncertain significance. Review status: criteria provided, multiple submitters, no conflicts (2 of 4 stars). 2 submissions from 2 submitters: Uncertain significance (2). Last evaluated 2025-10-20.

Conditions:
Epilepsy, X-linked 1, with variable learning disabilities and behavior disorders. Also called: X-linked epilepsy-learning disabilities-behavior disorders syndrome. Identifiers: Orphanet 85294, MedGen C5774177, MONDO:0010339, OMIM 300491.

gnomAD v4.1: 1 of 1,211,943 alleles (0.000083%); no homozygotes.

Submissions (2):

GeneDx
Classification: Uncertain significance. Last evaluated: 2025-10-20. Review status: criteria provided, single submitter. Criteria: GeneDx Variant Classification Process June 2021. Collection method: clinical testing. Allele origin: germline. Affected: yes.
Comment: Not observed at significant frequency in large population cohorts (gnomAD); In silico analysis supports that this missense variant has a deleterious effect on protein structure/function; Has not been previously published as pathogenic or benign to our knowledge

Labcorp Genetics (formerly Invitae), Labcorp
Classification: Uncertain significance for Epilepsy, X-linked 1, with variable learning disabilities and behavior disorders. Last evaluated: 2025-01-06. Review status: criteria provided, single submitter. Criteria: Invitae Variant Classification Sherloc (09022015). Collection method: clinical testing. Allele origin: germline.
Comment: This sequence change replaces threonine, which is neutral and polar, with lysine, which is basic and polar, at codon 329 of the SYN1 protein (p.Thr329Lys). This variant is not present in population databases (gnomAD no frequency). This variant has not been reported in the literature in individuals affected with SYN1-related conditions. ClinVar contains an entry for this variant (Variation ID: 1351541). An algorithm developed to predict the effect of missense changes on protein structure and function (PolyPhen-2) suggests that this variant is likely to be disruptive. In summary, the available evidence is currently insufficient to determine the role of this variant in disease. Therefore, it has been classified as a Variant of Uncertain Significance.

NM_006950.3(SYN1):c.986C>A (p.Thr329Lys)

Gene: SYN1 (synapsin I; minus strand). Cytogenetic location: Xp11.3.
Variant type: single nucleotide variant.
Coding change: c.986C>A on transcript NM_006950.3 (MANE Select); coding-DNA position 986, C replaced by A.
Protein change: p.Thr329Lys; replaces threonine 329 with lysine.
Molecular consequence: missense variant.
Genome position (GRCh38, 1-based): chrX:47,576,401, G>T on the plus strand (C>A on the coding strand, the complement: SYN1 is on the minus strand). VCF-style: chrX-47576401-G-T. GRCh37 (hg19) VCF-style: chrX-47435800-G-T.
Other names: c.986C>A, p.Thr329Lys (NM_133499.2); short protein forms T329K.
Identifiers: ClinVar variation 1351541 (VCV001351541.10), dbSNP rs2057777813, ClinGen allele CA412826770.